The following is an entry in ClinVar:

NM_014920.5(CILK1):c.527A>G (p.Asn176Ser)

Gene: CILK1 (ciliogenesis associated kinase 1; minus strand). Cytogenetic location: 6p12.1.
Variant type: single nucleotide variant.
Coding change: c.527A>G on transcript NM_014920.5 (MANE Select); coding-DNA position 527, A replaced by G.
Protein change: p.Asn176Ser; replaces asparagine 176 with serine.
Molecular consequence: missense variant. On other transcripts: non-coding transcript variant (1).
Genome position (GRCh38, 1-based): chr6:53,018,466, T>C on the plus strand (A>G on the coding strand, the complement: CILK1 is on the minus strand). VCF-style: chr6-53018466-T-C. GRCh37 (hg19) VCF-style: chr6-52883264-T-C.
Other names: c.527A>G, p.Asn176Ser (NM_001375397.1, NM_001375398.1, NM_001375399.1 and 4 more transcripts); c.527A>G (NM_016513.4); short protein forms N176S.
Identifiers: ClinVar variation 1680563 (VCV001680563.6), dbSNP rs137933227, ClinGen allele CA3858767.

ClinVar aggregate classification (germline): Conflicting classifications of pathogenicity. Review status: criteria provided, conflicting classifications (1 of 4 stars). 2 submissions from 2 submitters: Uncertain significance (1); Likely benign (1). Last evaluated 2025-04-28.

Allele frequency attached by ClinVar (database versions not stated): gnomAD 0.00004 and 0.00007; gnomAD exomes 0.00004 and 0.00016; TOPMed 0.00005; ESP Exome Variant Server 0.00008; ExAC 0.00012; 1000 Genomes Project 0.00020; 1000 Genomes Project 30x 0.00031.
gnomAD v4.1: 70 of 1,614,200 alleles (0.0043%); highest among the groups gnomAD compares: East Asian, 0.13%; no homozygotes.

Submissions (2):

Labcorp Genetics (formerly Invitae), Labcorp
Classification: Uncertain significance. Last evaluated: 2025-04-28. Review status: criteria provided, single submitter. Criteria: Invitae Variant Classification Sherloc (09022015). Collection method: clinical testing. Allele origin: germline.
Comment: This sequence change replaces asparagine, which is neutral and polar, with serine, which is neutral and polar, at codon 176 of the ICK protein (p.Asn176Ser). This variant is present in population databases (rs137933227, gnomAD 0.2%). This variant has not been reported in the literature in individuals affected with ICK-related conditions. ClinVar contains an entry for this variant (Variation ID: 1680563). Invitae Evidence Modeling of protein sequence and biophysical properties (such as structural, functional, and spatial information, amino acid conservation, physicochemical variation, residue mobility, and thermodynamic stability) indicates that this missense variant is not expected to disrupt ICK protein function with a negative predictive value of 80%. In summary, the available evidence is currently insufficient to determine the role of this variant in disease. Therefore, it has been classified as a Variant of Uncertain Significance.

Ambry Genetics
Classification: Likely benign. Last evaluated: 2023-08-21. Review status: criteria provided, single submitter. Criteria: Ambry Variant Classification Scheme 2023. Collection method: clinical testing. Allele origin: germline.